The following is an entry in ClinVar:

NM_004548.3(NDUFB10):c.273dup (p.Val92fs)

Genes: NDUFB10 (NADH:ubiquinone oxidoreductase subunit B10; plus strand), LOC130058198 (ATAC-STARR-seq lymphoblastoid active region 10241; plus strand). Cytogenetic location: 16p13.3.
Variant type: Duplication.
Coding change: c.273dup on transcript NM_004548.3 (MANE Select); coding-DNA position 273, one base duplicated (A; older notation c.273dupA).
Protein change: p.Val92fs; shifts the reading frame from valine 92.
Molecular consequence: frameshift variant.
Genome position (GRCh38, 1-based): chr16:1,961,500, A duplicated; the last of 3 consecutive A bases (chr16:1,961,498-1,961,500); duplicating any one gives the same sequence. VCF-style (leftmost placement, unchanged base first): chr16-1961497-C-CA. GRCh37 (hg19) VCF-style: chr16-2011498-C-CA.
Other names: short protein forms V92fs.
Identifiers: ClinVar variation 4711721 (VCV004711721.1).

ClinVar aggregate classification (germline): Uncertain significance (1 of 4 stars; one submission).

Submission:

Labcorp Genetics (formerly Invitae), Labcorp
Classification: Uncertain significance. Last evaluated: 2025-02-12. Review status: criteria provided, single submitter. Criteria: Invitae Variant Classification Sherloc (09022015). Collection method: clinical testing. Allele origin: germline.
Comment: This sequence change results in a frameshift in the NDUFB10 gene (p.Val92Serfs*95). While this is not anticipated to result in nonsense mediated decay, it is expected to disrupt the last 81 amino acid(s) of the NDUFB10 protein and extend the protein by 13 additional amino acid residues. This variant is present in population databases (no rsID available, gnomAD 0.01%). This variant has not been reported in the literature in individuals affected with NDUFB10-related conditions. In summary, the available evidence is currently insufficient to determine the role of this variant in disease. Therefore, it has been classified as a Variant of Uncertain Significance.